The following is an entry in ClinVar:

ClinVar aggregate classification (germline): Uncertain significance (1 of 4 stars; one submission).

Conditions:
Fanconi anemia (FA). Also called: Fanconi's anemia. Identifiers: Orphanet 84, MedGen C0015625, MeSH D005199, MONDO:0019391.

gnomAD v4.1: 5 of 1,613,636 alleles (0.00031%); highest among the groups gnomAD compares: East Asian, 0.011%; no homozygotes.

Submission:

Labcorp Genetics (formerly Invitae), Labcorp
Classification: Uncertain significance for Fanconi anemia. Last evaluated: 2022-10-04. Review status: criteria provided, single submitter. Criteria: Invitae Variant Classification Sherloc (09022015). Collection method: clinical testing. Allele origin: germline.
Comment: In summary, the available evidence is currently insufficient to determine the role of this variant in disease. Therefore, it has been classified as a Variant of Uncertain Significance. Algorithms developed to predict the effect of missense changes on protein structure and function are either unavailable or do not agree on the potential impact of this missense change (SIFT: "Tolerated"; PolyPhen-2: "Probably Damaging"; Align-GVGD: "Class C0"). ClinVar contains an entry for this variant (Variation ID: 1496485). This variant has not been reported in the literature in individuals affected with FANCM-related conditions. This variant is not present in population databases (gnomAD no frequency). This sequence change replaces arginine, which is basic and polar, with isoleucine, which is neutral and non-polar, at codon 6 of the FANCM protein (p.Arg6Ile).

NM_020937.4(FANCM):c.17G>T (p.Arg6Ile)

Gene: FANCM (FA complementation group M; plus strand). Cytogenetic location: 14q21.2.
Variant type: single nucleotide variant.
Coding change: c.17G>T on transcript NM_020937.4 (MANE Select); coding-DNA position 17, G replaced by T.
Protein change: p.Arg6Ile; replaces arginine 6 with isoleucine.
Molecular consequence: missense variant.
Genome position (GRCh38, 1-based): chr14:45,136,048, G>T. VCF-style: chr14-45136048-G-T. GRCh37 (hg19) VCF-style: chr14-45605251-G-T.
Other names: c.17G>T, p.Arg6Ile (NM_001308133.2, NM_001308134.2); short protein forms R6I.
Identifiers: ClinVar variation 1496485 (VCV001496485.8), dbSNP rs1464500995, ClinGen allele CA389586615.